The following is an entry in ClinVar:

NM_004700.4(KCNQ4):c.227C>G (p.Ala76Gly)

Gene: KCNQ4 (potassium voltage-gated channel subfamily Q member 4; plus strand). Cytogenetic location: 1p34.2.
Variant type: single nucleotide variant.
Coding change: c.227C>G on transcript NM_004700.4 (MANE Select); coding-DNA position 227, C replaced by G.
Protein change: p.Ala76Gly; replaces alanine 76 with glycine.
Molecular consequence: missense variant.
Genome position (GRCh38, 1-based): chr1:40,784,320, C>G. VCF-style: chr1-40784320-C-G. GRCh37 (hg19) VCF-style: chr1-41249992-C-G.
Other names: c.227C>G, p.Ala76Gly (NM_172163.3); short protein forms A76G.
Identifiers: ClinVar variation 3254638 (VCV003254638.2), dbSNP rs1647182655.

ClinVar aggregate classification (germline): Likely benign (1 of 4 stars; one submission).

Conditions:
Autosomal dominant nonsyndromic hearing loss 2A. Also called: Autosomal dominant nonsyndromic deafness 2A; DFNA2 Nonsyndromic Hearing Loss; Deafness, autosomal dominant 2A. Identifiers: Orphanet 90635, MedGen C2677637, MONDO:0010817, OMIM 600101.

Allele frequency attached by ClinVar (database versions not stated): TOPMed below 0.00001.
gnomAD v4.1: 7 of 1,607,198 alleles (0.00044%); highest among the groups gnomAD compares: Non-Finnish European, 0.00059%; no homozygotes.

Submission:

Victorian Clinical Genetics Services, Murdoch Childrens Research Institute
Classification: Likely benign for Autosomal dominant nonsyndromic hearing loss 2A. Last evaluated: 2024-09-23. Review status: criteria provided, single submitter. Criteria: ACMG Guidelines, 2015. Collection method: clinical testing. Allele origin: germline. Inheritance: Autosomal dominant inheritance. Affected: yes.
Comment: Based on the classification scheme VCGS_Germline_v1.3.4, this variant is classified as Likely benign. Following criteria are met: 0104 - Dominant negative is a known mechanism of disease in this gene and is associated with autosomal dominant deafness 2A (MIM#600101). The exact mechanism exerted by premature termination codons however remains unknown. Dominant negative is unlikely as these mutant proteins lack the C-terminal necessary for heteromultimer formation (PMID: 34622280). (I) 0107 - This gene is associated with autosomal dominant disease. (I) 0200 - Variant is predicted to result in a missense amino acid change from alanine to glycine. (I) 0251 - This variant is heterozygous. (I) 0301 - Variant is absent from gnomAD (both v2 and v3). (SP) 0309 - An alternative amino acid change at the same position has been observed in gnomAD (v2: 1 heterozygote, 0 homozygotes). (I) 0502 - Missense variant with conflicting in silico predictions and uninformative conservation. (I) 0604 - Variant is not located in an established domain, motif, hotspot or informative constraint region. (I) 0705 - No comparable missense variants have previous evidence for pathogenicity. (I) 0807 - This variant has no previous evidence of pathogenicity. (I) 0905 - No published segregation evidence has been identified for this variant. (I) 1007 - No published functional evidence has been identified for this variant. (I) Legend: (SP) - Supporting pathogenic, (I) - Information, (SB) - Supporting benign

Literature cited by the submitters: PubMed 34622280.